The following is an entry in ClinVar:

ClinVar aggregate classification (germline): Uncertain significance (1 of 4 stars; one submission).

Allele frequency attached by ClinVar (database versions not stated): gnomAD 0.00003; TOPMed 0.00003; ExAC 0.00004; gnomAD exomes 0.00010.
gnomAD v4.1: 141 of 1,612,132 alleles (0.0087%); highest among the groups gnomAD compares: East Asian, 0.056%; no homozygotes.

Submission:

Labcorp Genetics (formerly Invitae), Labcorp
Classification: Uncertain significance. Last evaluated: 2022-08-20. Review status: criteria provided, single submitter. Criteria: Invitae Variant Classification Sherloc (09022015). Collection method: clinical testing. Allele origin: germline.
Comment: This sequence change affects codon 917 of the PTPRO mRNA. It is a 'silent' change, meaning that it does not change the encoded amino acid sequence of the PTPRO protein. This variant is present in population databases (rs755499017, gnomAD 0.03%). This variant has not been reported in the literature in individuals affected with PTPRO-related conditions. Algorithms developed to predict the effect of sequence changes on RNA splicing suggest that this variant may create or strengthen a splice site. In summary, the available evidence is currently insufficient to determine the role of this variant in disease. Therefore, it has been classified as a Variant of Uncertain Significance.

NM_030667.3(PTPRO):c.2751G>A (p.Pro917=)

Gene: PTPRO (protein tyrosine phosphatase receptor type O; plus strand). Cytogenetic location: 12p12.3.
Variant type: single nucleotide variant.
Coding change: c.2751G>A on transcript NM_030667.3 (MANE Select); coding-DNA position 2751, G replaced by A.
Protein change: p.Pro917=; no amino-acid change (proline 917 retained).
Molecular consequence: synonymous variant.
Genome position (GRCh38, 1-based): chr12:15,569,420, G>A. VCF-style: chr12-15569420-G-A. GRCh37 (hg19) VCF-style: chr12-15722354-G-A.
Other names: c.2667G>A, p.Pro889= (NM_002848.4); c.234G>A, p.Pro78= (NM_030668.3, NM_030670.3); c.318G>A, p.Pro106= (NM_030669.3, NM_030671.3).
Identifiers: ClinVar variation 2082621 (VCV002082621.1), dbSNP rs755499017, ClinGen allele CA6466983.